The following is an entry in ClinVar:

NM_007294.4(BRCA1):c.2867C>G (p.Ser956Cys)

Gene: BRCA1 (BRCA1 DNA repair associated; minus strand). Cytogenetic location: 17q21.31.
Variant type: single nucleotide variant.
Coding change: c.2867C>G on transcript NM_007294.4 (MANE Select); coding-DNA position 2867, C replaced by G.
Protein change: p.Ser956Cys; replaces serine 956 with cysteine.
Molecular consequence: missense variant. On other transcripts: intron variant (137).
Genome position (GRCh38, 1-based): chr17:43,092,664, G>C on the plus strand (C>G on the coding strand, the complement: BRCA1 is on the minus strand). VCF-style: chr17-43092664-G-C. GRCh37 (hg19) VCF-style: chr17-41244681-G-C.
Other names: c.2654C>G, p.Ser885Cys (NM_001407571.1, NM_001407853.1, NM_001407894.1 and 9 more transcripts); c.2867C>G, p.Ser956Cys (NM_001407581.1, NM_001407582.1, NM_001407583.1 and 30 more transcripts); c.2864C>G, p.Ser955Cys (NM_001407587.1, NM_001407590.1, NM_001407591.1 and 22 more transcripts); c.2858C>G, p.Ser953Cys (NM_001407646.1, NM_001407647.1); c.2744C>G, p.Ser915Cys (NM_001407648.1, NM_001407664.1, NM_001407665.1 and 19 more transcripts); c.2741C>G, p.Ser914Cys (NM_001407649.1, NM_001407670.1, NM_001407671.1 and 11 more transcripts); c.2789C>G, p.Ser930Cys (NM_001407653.1, NM_001407654.1, NM_001407655.1 and 4 more transcripts); c.2786C>G, p.Ser929Cys (NM_001407659.1, NM_001407660.1, NM_001407661.1 and 1 more transcripts); and 41 more; short protein forms S956C, S909C, S828C, S844C, S914C, S930C, S953C, S660C.
Identifiers: ClinVar variation 409320 (VCV000409320.14), dbSNP rs1060502336, ClinGen allele CA10596252.

ClinVar aggregate classification (germline): Conflicting classifications of pathogenicity. Review status: criteria provided, conflicting classifications (1 of 4 stars). 4 submissions from 4 submitters: Uncertain significance (3); Likely benign (1). Last evaluated 2025-10-16.

Conditions:
Hereditary cancer-predisposing syndrome. Also called: Hereditary Cancer Syndrome; Hereditary neoplastic syndrome; Neoplastic Syndromes, Hereditary; Tumor predisposition. Identifiers: Orphanet 140162, MedGen C0027672, MeSH D009386, MONDO:0015356.
Hereditary breast ovarian cancer syndrome. Also called: BRCA1- and BRCA2-Associated Hereditary Breast and Ovarian Cancer; Hereditary breast and ovarian cancer syndrome (HBOC); Hereditary breast and ovarian cancer; Hereditary breast and ovarian cancer syndrome; Breast and ovarian cancer; Hereditary breast and/or ovarian cancer syndrome. Identifiers: Orphanet 145, MedGen C0677776, MeSH D061325, MONDO:0003582. Disease mechanism: loss of function.

Allele frequency attached by ClinVar (database versions not stated): gnomAD 0.00001.
gnomAD v4.1: 1 of 1,613,978 alleles (0.000062%); highest among the groups gnomAD compares: Non-Finnish European, 0.000085%; no homozygotes.

Submissions (4):

Labcorp Genetics (formerly Invitae), Labcorp
Classification: Uncertain significance for Hereditary breast ovarian cancer syndrome. Last evaluated: 2025-10-16. Review status: criteria provided, single submitter. Criteria: Invitae Variant Classification Sherloc (09022015). Collection method: clinical testing. Allele origin: germline.
Comment: This sequence change replaces serine, which is neutral and polar, with cysteine, which is neutral and slightly polar, at codon 956 of the BRCA1 protein (p.Ser956Cys). This variant is present in population databases (no rsID available, gnomAD 0.007%). This variant has not been reported in the literature in individuals affected with BRCA1-related conditions. ClinVar contains an entry for this variant (Variation ID: 409320). Invitae Evidence Modeling of protein sequence and biophysical properties (such as structural, functional, and spatial information, amino acid conservation, physicochemical variation, residue mobility, and thermodynamic stability) indicates that this missense variant is expected to disrupt BRCA1 protein function with a positive predictive value of 80%. In summary, the available evidence is currently insufficient to determine the role of this variant in disease. Therefore, it has been classified as a Variant of Uncertain Significance.

Ambry Genetics
Classification: Uncertain significance for Hereditary cancer-predisposing syndrome. Last evaluated: 2025-05-31. Review status: criteria provided, single submitter. Criteria: Ambry Variant Classification Scheme 2023. Collection method: clinical testing. Allele origin: germline.
Comment: The p.S956C variant (also known as c.2867C>G), located in coding exon 9 of the BRCA1 gene, results from a C to G substitution at nucleotide position 2867. The serine at codon 956 is replaced by cysteine, an amino acid with dissimilar properties. This amino acid position is not well conserved in available vertebrate species. In addition, the in silico prediction for this alteration is inconclusive. Based on the available evidence, the clinical significance of this variant remains unclear.

GeneDx
Classification: Uncertain significance. Last evaluated: 2024-05-08. Review status: criteria provided, single submitter. Criteria: GeneDx Variant Classification Process June 2021. Collection method: clinical testing. Allele origin: germline. Affected: yes.
Comment: Not observed at significant frequency in large population cohorts (gnomAD); In silico analysis supports that this missense variant has a deleterious effect on protein structure/function; Has not been previously published as pathogenic or benign to our knowledge; Also known as 2986C>G; This variant is associated with the following publications: (PMID: 15343273)

University of Washington Department of Laboratory Medicine, University of Washington
Classification: Likely benign for Hereditary cancer-predisposing syndrome. Last evaluated: 2023-03-23. Review status: criteria provided, single submitter. Criteria: Dines et al. (Genet Med. 2020). Collection method: curation. Allele origin: germline.
Comment: Missense variant in a coldspot region where missense variants are very unlikely to be pathogenic (PMID:31911673).

BRCA1 coldspot (exon 11 using historical exon numbering). Reclassification based on statistical prior probability